The following is an entry in ClinVar:

NM_002439.5(MSH3):c.1409A>G (p.Gln470Arg)

Gene: MSH3 (mutS homolog 3; plus strand). Cytogenetic location: 5q14.1.
Variant type: single nucleotide variant.
Coding change: c.1409A>G on transcript NM_002439.5 (MANE Select); coding-DNA position 1409, A replaced by G.
Protein change: p.Gln470Arg; replaces glutamine 470 with arginine.
Molecular consequence: missense variant.
Genome position (GRCh38, 1-based): chr5:80,725,521, A>G. VCF-style: chr5-80725521-A-G. GRCh37 (hg19) VCF-style: chr5-80021340-A-G.
Other names: c.1409A>G (NM_002439.3); short protein forms Q470R.
Identifiers: ClinVar variation 937834 (VCV000937834.10), dbSNP rs1743271858, ClinGen allele CA360273596.

ClinVar aggregate classification (germline): Uncertain significance. Review status: criteria provided, multiple submitters, no conflicts (2 of 4 stars). 2 submissions from 2 submitters: Uncertain significance (2). Last evaluated 2025-12-30.

Conditions:
Hereditary cancer-predisposing syndrome. Also called: Tumor predisposition; Hereditary neoplastic syndrome; Hereditary Cancer Syndrome; Neoplastic Syndromes, Hereditary. Identifiers: Orphanet 140162, MedGen C0027672, MeSH D009386, MONDO:0015356.

Allele frequency attached by ClinVar (database versions not stated): gnomAD exomes below 0.00001.
gnomAD v4.1: 2 of 1,614,018 alleles (0.00012%); highest among the groups gnomAD compares: Middle Eastern, 0.017%; no homozygotes.

Submissions (2):

Labcorp Genetics (formerly Invitae), Labcorp
Classification: Uncertain significance. Last evaluated: 2025-12-30. Review status: criteria provided, single submitter. Criteria: Invitae Variant Classification Sherloc (09022015). Collection method: clinical testing. Allele origin: germline.
Comment: This sequence change replaces glutamine, which is neutral and polar, with arginine, which is basic and polar, at codon 470 of the MSH3 protein (p.Gln470Arg). This variant is not present in population databases (gnomAD no frequency). This variant has not been reported in the literature in individuals affected with MSH3-related conditions. ClinVar contains an entry for this variant (Variation ID: 937834). An algorithm developed to predict the effect of missense changes on protein structure and function (PolyPhen-2) suggests that this variant is likely to be disruptive. In summary, the available evidence is currently insufficient to determine the role of this variant in disease. Therefore, it has been classified as a Variant of Uncertain Significance.

Ambry Genetics
Classification: Uncertain significance for Hereditary cancer-predisposing syndrome. Last evaluated: 2024-02-02. Review status: criteria provided, single submitter. Criteria: Ambry Variant Classification Scheme 2023. Collection method: clinical testing. Allele origin: germline.
Comment: The p.Q470R variant (also known as c.1409A>G), located in coding exon 9 of the MSH3 gene, results from an A to G substitution at nucleotide position 1409. The glutamine at codon 470 is replaced by arginine, an amino acid with highly similar properties. This amino acid position is conserved. In addition, the in silico prediction for this alteration is inconclusive. Based on the available evidence, the clinical significance of this alteration remains unclear.